The following is an entry in ClinVar:

NM_001267550.2(TTN):c.48590G>A (p.Arg16197His)

Genes: TTN (titin; minus strand), TTN-AS1 (TTN antisense RNA 1; plus strand). Cytogenetic location: 2q31.2.
Variant type: single nucleotide variant.
Coding change: c.48590G>A on transcript NM_001267550.2 (MANE Select); coding-DNA position 48590, G replaced by A.
Protein change: p.Arg16197His; replaces arginine 16197 with histidine.
Molecular consequence: missense variant. On other transcripts: non-coding transcript variant (1).
Genome position (GRCh38, 1-based): chr2:178,615,355, C>T on the plus strand (G>A on the coding strand, the complement: TTN is on the minus strand). VCF-style: chr2-178615355-C-T. GRCh37 (hg19) VCF-style: chr2-179480082-C-T.
Other names: p.R14556H:CGT>CAT; c.43667G>A, p.Arg14556His (NM_001256850.1); c.21395G>A, p.Arg7132His (NM_003319.4); c.40886G>A, p.Arg13629His (NM_133378.4); c.21770G>A, p.Arg7257His (NM_133432.3); c.21971G>A, p.Arg7324His (NM_133437.4); short protein forms R14556H, R16197H, R7257H, R13629H, R7132H, R7324H.
Identifiers: ClinVar variation 202668 (VCV000202668.4), dbSNP rs369826752, ClinGen allele CA309926.
Genomic context (GRCh38, chr2:178,615,355, plus strand): 5'-TTAAAAACCTACTTTGTTTCTGCAACAGGTTCTCCACAGGCAACCCATTTATCAGAACCA[C>T]GTGGACATCTTTCAACTATATATCCTTTGATGCGTGAACCACCATCATTTTTAGGTGGAT-3'
Protein context (NP_001254479.2, residues 16187-16207): IKGYIVERCP[Arg16197His]GSDKWVACGE

ClinVar aggregate classification (germline): Uncertain significance. Review status: criteria provided, multiple submitters, no conflicts (2 of 4 stars). 2 submissions from 2 submitters: Uncertain significance (2). Last evaluated 2017-02-07.

Conditions:
Dilated cardiomyopathy 1G (CMD1G). Identifiers: Orphanet 154, MedGen C1858763, MONDO:0011400, OMIM 604145.
Autosomal recessive limb-girdle muscular dystrophy type 2J (LGMDR10). Also called: MUSCULAR DYSTROPHY, LIMB-GIRDLE, AUTOSOMAL RECESSIVE 10; Limb-girdle muscular dystrophy, type 2J. Identifiers: Orphanet 140922, MedGen C1837342, MONDO:0012127, OMIM 608807.

Allele frequency attached by ClinVar (database versions not stated): gnomAD exomes below 0.00001; TOPMed below 0.00001; ExAC 0.00001; ESP Exome Variant Server 0.00008.
gnomAD v4.1: 1 of 1,612,478 alleles (0.000062%); highest among the groups gnomAD compares: Non-Finnish European, 0.000085%; no homozygotes.

Submissions (2):

Labcorp Genetics (formerly Invitae), Labcorp
Classification: Uncertain significance for Dilated cardiomyopathy 1G; Autosomal recessive limb-girdle muscular dystrophy type 2J. Last evaluated: 2017-02-07. Review status: criteria provided, single submitter. Criteria: Invitae Variant Classification Sherloc (09022015). Collection method: clinical testing. Allele origin: germline.

GeneDx
Classification: Uncertain significance. Last evaluated: 2013-09-26. Review status: criteria provided, single submitter. Criteria: GeneDx Variant Classification (06012015). Collection method: clinical testing. Allele origin: germline. Affected: yes.
Comment: Missense variants in the TTN gene are considered 'unclassified' if they are not previously reported in the literature and do not have >1% frequency in the population to be considered a polymorphism. Research indicates that truncating mutations in the TTN gene are expected to account for approximately 25% of familial and 18% of sporadic idiopathic DCM; however, truncating variants in the TTN gene have been reported in approximately 3% of reported control alleles. There has been little investigation into non-truncating variants. (Herman D et al. Truncations of titin causing dilated cardiomyopathy. N Eng J Med 366:619-628, 2012) The variant is found in DCM panel(s).